The following is an entry in ClinVar:

NM_001761.3(CCNF):c.1188G>T (p.Glu396Asp)

Gene: CCNF (cyclin F; plus strand). Cytogenetic location: 16p13.3.
Variant type: single nucleotide variant.
Coding change: c.1188G>T on transcript NM_001761.3 (MANE Select); coding-DNA position 1188, G replaced by T.
Protein change: p.Glu396Asp; replaces glutamic acid 396 with aspartic acid.
Molecular consequence: missense variant.
Genome position (GRCh38, 1-based): chr16:2,448,948, G>T. VCF-style: chr16-2448948-G-T. GRCh37 (hg19) VCF-style: chr16-2498949-G-T.
Other names: c.264G>T, p.Glu88Asp (NM_001323538.2); short protein forms E88D, E396D.
Identifiers: ClinVar variation 775366 (VCV000775366.7), dbSNP rs36008785, ClinGen allele CA7842372.
Genomic context (GRCh38, chr16:2,448,948, plus strand): 5'-GGCCGTATGGCTCACGGACAACACTTACAAGTACGAGGACCTGGTGAGAATGATGGGCGA[G>T]ATCGTCTCCGCCTTGGAAGGGAAGATTCGAGTAAGCAGCGGTTCCATTTTCCTTATTAAT-3'
Protein context (NP_001752.2, residues 386-406): KYEDLVRMMG[Glu396Asp]IVSALEGKIR

ClinVar aggregate classification (germline): Benign. Review status: criteria provided, multiple submitters, no conflicts (2 of 4 stars). 3 submissions from 3 submitters: Benign (2). 1 of the submissions does not count toward it. Last evaluated 2019-12-31.

Conditions:
CCNF-related disorder. Also called: CCNF-related condition.

Allele frequency attached by ClinVar (database versions not stated): gnomAD 0.00050 and 0.00051; gnomAD exomes 0.00061 and 0.00112; TOPMed 0.00067; ESP Exome Variant Server 0.00069; ExAC 0.00087.
gnomAD v4.1: 1,061 of 1,614,128 alleles (0.066%); highest among the groups gnomAD compares: Middle Eastern, 1.4%; 4 homozygotes.

Submissions (3):

Labcorp Genetics (formerly Invitae), Labcorp
Classification: Benign. Last evaluated: 2019-12-31. Review status: criteria provided, single submitter. Criteria: Invitae Variant Classification Sherloc (09022015). Collection method: clinical testing. Allele origin: germline.

Breakthrough Genomics
Classification: Benign. Review status: criteria provided, single submitter. Criteria: ACMG Guidelines, 2015. Collection method: not provided. Allele origin: germline. Inheritance: Autosomal dominant inheritance. Affected: yes.

PreventionGenetics, part of Exact Sciences
Classification: Likely benign for CCNF-related condition. Last evaluated: 2019-04-29. Review status: no assertion criteria provided. Collection method: clinical testing. Allele origin: germline. Not counted in ClinVar's aggregate classification.
Comment: This variant is classified as likely benign based on ACMG/AMP sequence variant interpretation guidelines (Richards et al. 2015 PMID: 25741868, with internal and published modifications).